The following is an entry in ClinVar:

NM_001353108.3(CEP63):c.1068-2A>G

Gene: CEP63 (centrosomal protein 63; plus strand). Cytogenetic location: 3q22.2.
Variant type: single nucleotide variant.
Coding change: c.1068-2A>G on transcript NM_001353108.3 (MANE Select); the canonical splice acceptor site of the intron before coding-DNA position 1068, A replaced by G.
Molecular consequence: splice acceptor variant.
Genome position (GRCh38, 1-based): chr3:134,549,060, A>G. VCF-style: chr3-134549060-A-G. GRCh37 (hg19) VCF-style: chr3-134267902-A-G.
Other names: c.1068-2A>G (NM_001353113.1, NM_001353110.1, NM_001353117.2 and 4 more transcripts); c.930-2A>G (NM_001042384.2, NM_001353122.1, NM_001353109.1 and 6 more transcripts); c.957-2A>G (NM_001353118.1); c.567-2A>G (NM_001353126.2); c.846-2A>G (NM_001353125.2).
Identifiers: ClinVar variation 1513199 (VCV001513199.7), dbSNP rs150764448, ClinGen allele CA2628580.

ClinVar aggregate classification (germline): Likely pathogenic (1 of 4 stars; one submission).

Allele frequency attached by ClinVar (database versions not stated): ExAC 0.00002; gnomAD exomes 0.00002; gnomAD 0.00003; TOPMed 0.00003; ESP Exome Variant Server 0.00008.
gnomAD v4.1: 31 of 1,596,382 alleles (0.0019%); highest among the groups gnomAD compares: Non-Finnish European, 0.0024%; no homozygotes.

Submissions (2):

Labcorp Genetics (formerly Invitae), Labcorp
Classification: Likely pathogenic. Last evaluated: 2024-01-02. Review status: criteria provided, single submitter. Criteria: Invitae Variant Classification Sherloc (09022015). Collection method: clinical testing. Allele origin: germline.
Comment: This sequence change affects an acceptor splice site in intron 10 of the CEP63 gene. It is expected to disrupt RNA splicing. Variants that disrupt the donor or acceptor splice site typically lead to a loss of protein function (PMID: 16199547), and loss-of-function variants in CEP63 are known to be pathogenic (PMID: 21983783, 23936128, 26158450). This variant is present in population databases (rs150764448, gnomAD 0.004%). This variant has not been reported in the literature in individuals affected with CEP63-related conditions. ClinVar contains an entry for this variant (Variation ID: 1513199). Algorithms developed to predict the effect of sequence changes on RNA splicing suggest that this variant may disrupt the consensus splice site. In summary, the currently available evidence indicates that the variant is pathogenic, but additional data are needed to prove that conclusively. Therefore, this variant has been classified as Likely Pathogenic.

Dr. Peter K. Rogan Lab, Western University
No classification provided (evidence only). Condition: Papillary renal cell carcinoma type 1. Review status: no classification provided. Collection method: in vitro. Allele origin: not applicable. Functional consequence: retained intron. Not counted in ClinVar's aggregate classification.

Literature cited by the submitters: PubMed 16199547 (cited by Labcorp Genetics (formerly Invitae), Labcorp); PubMed 21983783 (cited by Labcorp Genetics (formerly Invitae), Labcorp); PubMed 23936128 (cited by Labcorp Genetics (formerly Invitae), Labcorp); PubMed 26158450 (cited by Labcorp Genetics (formerly Invitae), Labcorp).